The following is an entry in ClinVar:

ClinVar aggregate classification (germline): Uncertain significance. Review status: criteria provided, multiple submitters, no conflicts (2 of 4 stars). 4 submissions from 4 submitters: Uncertain significance (3). 1 of the submissions does not count toward it. Last evaluated 2024-05-14.

Conditions:
Jeune thoracic dystrophy. Also called: Jeune syndrome; Infantile thoracic dystrophy; Thoracic pelvic phalangeal dystrophy; Jeune's syndrome; Chondroectodermal dysplasia-like syndrome; Short-rib thoracic dysplasia. Identifiers: Orphanet 474, MedGen C0265275, MONDO:0018770.
Nephronophthisis. Also called: Juvenile Nephronophthisis. Identifiers: Orphanet 655, MedGen C0687120, MONDO:0019005, HP:0000090.
Nephronophthisis 12 (NPHP12). Identifiers: Orphanet 655, MedGen C3151186, MONDO:0013442, OMIM 613820.
Asphyxiating thoracic dystrophy 4 (SRTD4). Also called: SHORT-RIB THORACIC DYSPLASIA 4 WITH OR WITHOUT POLYDACTYLY; SHORT-RIB THORACIC DYSPLASIA 4. Identifiers: Orphanet 474, MedGen C3151185, MONDO:0013441, OMIM 613819.
TTC21B-related disorder. Also called: TTC21B-related condition; TTC21B-related disorders.
Inborn genetic diseases. Identifiers: MedGen C0950123, MeSH D030342.

Allele frequency attached by ClinVar (database versions not stated): gnomAD 0.00001; gnomAD exomes 0.00001; TOPMed 0.00002; ExAC 0.00004.
gnomAD v4.1: 20 of 1,613,352 alleles (0.0012%); highest among the groups gnomAD compares: Admixed American, 0.022%; no homozygotes.

Submissions (4):

Fulgent Genetics
Classification: Uncertain significance for Asphyxiating thoracic dystrophy 4; Nephronophthisis 12. Last evaluated: 2024-05-14. Review status: criteria provided, single submitter. Criteria: ACMG Guidelines, 2015. Collection method: clinical testing. Allele origin: germline.

Ambry Genetics
Classification: Uncertain significance for Inborn genetic diseases. Last evaluated: 2024-01-04. Review status: criteria provided, single submitter. Criteria: Ambry Variant Classification Scheme 2023. Collection method: clinical testing. Allele origin: germline.

Labcorp Genetics (formerly Invitae), Labcorp
Classification: Uncertain significance for Jeune thoracic dystrophy; Nephronophthisis. Last evaluated: 2023-08-30. Review status: criteria provided, single submitter. Criteria: Invitae Variant Classification Sherloc (09022015). Collection method: clinical testing. Allele origin: germline.
Comment: In summary, the available evidence is currently insufficient to determine the role of this variant in disease. Therefore, it has been classified as a Variant of Uncertain Significance. Advanced modeling of protein sequence and biophysical properties (such as structural, functional, and spatial information, amino acid conservation, physicochemical variation, residue mobility, and thermodynamic stability) performed at Invitae indicates that this missense variant is not expected to disrupt TTC21B protein function. ClinVar contains an entry for this variant (Variation ID: 2144394). This variant has not been reported in the literature in individuals affected with TTC21B-related conditions. This variant is present in population databases (rs768255232, gnomAD 0.03%). This sequence change replaces valine, which is neutral and non-polar, with isoleucine, which is neutral and non-polar, at codon 864 of the TTC21B protein (p.Val864Ile).

PreventionGenetics, part of Exact Sciences
Classification: Uncertain significance for TTC21B-related condition. Last evaluated: 2024-07-25. Review status: no assertion criteria provided. Collection method: clinical testing. Allele origin: germline. Not counted in ClinVar's aggregate classification.
Comment: The TTC21B c.2590G>A variant is predicted to result in the amino acid substitution p.Val864Ile. To our knowledge, this variant has not been reported in the literature. This variant is reported in 0.026% of alleles in individuals of Latino descent in gnomAD. At this time, the clinical significance of this variant is uncertain due to the absence of conclusive functional and genetic evidence.

NM_024753.5(TTC21B):c.2590G>A (p.Val864Ile)

Gene: TTC21B (tetratricopeptide repeat domain 21B; minus strand). Cytogenetic location: 2q24.3.
Variant type: single nucleotide variant.
Coding change: c.2590G>A on transcript NM_024753.5 (MANE Select); coding-DNA position 2590, G replaced by A.
Protein change: p.Val864Ile; replaces valine 864 with isoleucine.
Molecular consequence: missense variant.
Genome position (GRCh38, 1-based): chr2:165,901,889, C>T on the plus strand (G>A on the coding strand, the complement: TTC21B is on the minus strand). VCF-style: chr2-165901889-C-T. GRCh37 (hg19) VCF-style: chr2-166758399-C-T.
Other names: c.2590G>A (NM_024753.3, NM_024753.4); short protein forms V864I.
Identifiers: ClinVar variation 2144394 (VCV002144394.5), dbSNP rs768255232, ClinGen allele CA1941769.